The following is an entry in ClinVar:

ClinVar aggregate classification (germline): Uncertain significance. Review status: criteria provided, multiple submitters, no conflicts (2 of 4 stars). 3 submissions from 3 submitters: Uncertain significance (3). Last evaluated 2023-10-18.

Conditions:
Warburg micro syndrome 2 (WARBM2). Also called: MICRO SYNDROME 2. Identifiers: Orphanet 2510, MedGen C3280214, MONDO:0013641, OMIM 614225.
Martsolf syndrome (MARTS). Also called: Congenital cataract with intellectual disability and hypogonadotropic hypogonadism syndrome. Identifiers: Orphanet 1387, MedGen C0796037, MONDO:0023910.

Allele frequency attached by ClinVar (database versions not stated): gnomAD 0.00001 and 0.00005; TOPMed 0.00001; gnomAD exomes 0.00002 and 0.00010; ExAC 0.00007; 1000 Genomes Project 0.00060; 1000 Genomes Project 30x 0.00078.
gnomAD v4.1: 50 of 1,613,496 alleles (0.0031%); highest among the groups gnomAD compares: East Asian, 0.051%; no homozygotes.

Submissions (3):

Blueprint Genetics
Classification: Uncertain significance. Last evaluated: 2023-10-18. Review status: criteria provided, single submitter. Criteria: ACMG Guidelines, 2015. Collection method: clinical testing. Allele origin: germline.

Labcorp Genetics (formerly Invitae), Labcorp
Classification: Uncertain significance for Martsolf syndrome; Warburg micro syndrome 2. Last evaluated: 2022-06-15. Review status: criteria provided, single submitter. Criteria: Invitae Variant Classification Sherloc (09022015). Collection method: clinical testing. Allele origin: germline.
Comment: This sequence change replaces methionine, which is neutral and non-polar, with valine, which is neutral and non-polar, at codon 554 of the RAB3GAP2 protein (p.Met554Val). This variant is present in population databases (rs367548608, gnomAD 0.09%). This variant has not been reported in the literature in individuals affected with RAB3GAP2-related conditions. ClinVar contains an entry for this variant (Variation ID: 1045142). Algorithms developed to predict the effect of missense changes on protein structure and function (SIFT, PolyPhen-2, Align-GVGD) all suggest that this variant is likely to be tolerated. In summary, the available evidence is currently insufficient to determine the role of this variant in disease. Therefore, it has been classified as a Variant of Uncertain Significance.

GeneDx
Classification: Uncertain significance. Last evaluated: 2019-03-25. Review status: criteria provided, single submitter. Criteria: GeneDx Variant Classification Process June 2021. Collection method: clinical testing. Allele origin: germline. Affected: yes.
Comment: In silico analysis, which includes protein predictors and evolutionary conservation, supports that this variant does not alter protein structure/function; Has not been previously published as pathogenic or benign to our knowledge

NM_012414.4(RAB3GAP2):c.1660A>G (p.Met554Val)

Gene: RAB3GAP2 (RAB3 GTPase activating non-catalytic protein subunit 2; minus strand). Cytogenetic location: 1q41.
Variant type: single nucleotide variant.
Coding change: c.1660A>G on transcript NM_012414.4 (MANE Select); coding-DNA position 1660, A replaced by G.
Protein change: p.Met554Val; replaces methionine 554 with valine.
Molecular consequence: missense variant.
Genome position (GRCh38, 1-based): chr1:220,190,118, T>C on the plus strand (A>G on the coding strand, the complement: RAB3GAP2 is on the minus strand). VCF-style: chr1-220190118-T-C. GRCh37 (hg19) VCF-style: chr1-220363460-T-C.
Other names: short protein forms M554V.
Identifiers: ClinVar variation 1045142 (VCV001045142.8), dbSNP rs367548608, ClinGen allele CA1402637.
Genomic context (GRCh38, chr1:220,190,118, plus strand): 5'-ACCTACCAAGATTGGGAGATTTTGTTTTCAGTAAGGCTGCTAGTTTCTTCACTAGGTGCA[T>C]ATCCTTGGCTCGTTCACTCTTCTTATCACTAAACCAATAAATATAACAAATTATTACAGA-3'
Protein context (NP_036546.2, residues 544-564): SDKKSERAKD[Met554Val]HLVKKLAALL